The following is an entry in ClinVar:

ClinVar aggregate classification (germline): Uncertain significance (1 of 4 stars; one submission).

Conditions:
Inborn genetic diseases. Identifiers: MedGen C0950123, MeSH D030342.

Submission:

Ambry Genetics
Classification: Uncertain significance for Inborn genetic diseases. Last evaluated: 2025-07-13. Review status: criteria provided, single submitter. Criteria: Ambry Variant Classification Scheme 2023. Collection method: clinical testing. Allele origin: germline.
Comment: The p.P193S variant (also known as c.577C>T), located in coding exon 1 of the SH2B3 gene, results from a C to T substitution at nucleotide position 577. The proline at codon 193 is replaced by serine, an amino acid with similar properties. This amino acid position is conserved. In addition, this alteration is predicted to be tolerated by in silico analysis. Based on the available evidence, the clinical significance of this variant remains unclear.

NM_005475.3(SH2B3):c.577C>T (p.Pro193Ser)

Gene: SH2B3 (SH2B adaptor protein 3; plus strand). Cytogenetic location: 12q24.12.
Variant type: single nucleotide variant.
Coding change: c.577C>T on transcript NM_005475.3 (MANE Select); coding-DNA position 577, C replaced by T.
Protein change: p.Pro193Ser; replaces proline 193 with serine.
Molecular consequence: missense variant.
Genome position (GRCh38, 1-based): chr12:111,418,722, C>T. VCF-style: chr12-111418722-C-T. GRCh37 (hg19) VCF-style: chr12-111856526-C-T.
Other names: short protein forms P193S.
Identifiers: ClinVar variation 4163945 (VCV004163945.1).
Genomic context (GRCh38, chr12:111,418,722, plus strand): 5'-CCCGCCCGGCCTGGCCTGGCCAAGAAGTTCCTGCCCTGGAGCCTGGCCCGGGAGCCGCCA[C>T]CCGAGGCGCTGAAGGAGGCGGTGCTGCGCTACAGCCTGGCCGACGAGGCCTCCATGGACA-3'
Protein context (NP_005466.1, residues 183-203): LPWSLAREPP[Pro193Ser]EALKEAVLRY